The following is an entry in ClinVar:

NM_015040.4(PIKFYVE):c.6243C>T (p.Asp2081=)

Gene: PIKFYVE (phosphoinositide kinase, FYVE-type zinc finger containing; plus strand). Cytogenetic location: 2q34.
Variant type: single nucleotide variant.
Coding change: c.6243C>T on transcript NM_015040.4 (MANE Select); coding-DNA position 6243, C replaced by T.
Protein change: p.Asp2081=; no amino-acid change (aspartic acid 2081 retained).
Molecular consequence: synonymous variant.
Genome position (GRCh38, 1-based): chr2:208,355,251, C>T. VCF-style: chr2-208355251-C-T. GRCh37 (hg19) VCF-style: chr2-209219975-C-T.
Identifiers: ClinVar variation 896975 (VCV000896975.4), dbSNP rs746132026, ClinGen allele CA2080829.
Genomic context (GRCh38, chr2:208,355,251, plus strand): 5'-TAAAATGCCAACAGTGGTGTCTCCGGAGTTGTACAGGACTAGGTTTTGTGAGGCAATGGA[C>T]AAGTATTTCCTAATGGTACCAGACCACTGGACAGGCTTGGGTCTGAATTGCTGAAATCAA-3'
Protein context (NP_055855.2, residues 2071-2091): LYRTRFCEAM[Asp2081=]KYFLMVPDHW

ClinVar aggregate classification (germline): Likely benign (1 of 4 stars; one submission).

Conditions:
Fleck corneal dystrophy (CFD). Also called: CORNEAL DYSTROPHY, FRANCOIS-NEETENS SPECKLED OR FLECKED. Identifiers: Orphanet 98970, MedGen C1562113, MONDO:0007376, OMIM 121850.

Allele frequency attached by ClinVar (database versions not stated): TOPMed 0.00002; gnomAD 0.00003 and 0.00007.
gnomAD v4.1: 217 of 1,613,864 alleles (0.013%); highest among the groups gnomAD compares: East Asian, 0.47%; 3 homozygotes.

Submission:

Illumina Laboratory Services, Illumina
Classification: Likely benign for Fleck corneal dystrophy. Last evaluated: 2018-01-13. Review status: criteria provided, single submitter. Criteria: ICSL Variant Classification Criteria 13 December 2019. Collection method: clinical testing. Allele origin: germline.
Comment: This variant was observed in the ICSL laboratory as part of a predisposition screen in an ostensibly healthy population. It had not been previously curated by ICSL or reported in the Human Gene Mutation Database (HGMD: prior to June 1st, 2018), and was therefore a candidate for classification through an automated scoring system. Utilizing variant allele frequency, disease prevalence and penetrance estimates, and inheritance mode, an automated score was calculated to assess if this variant is too frequent to cause the disease. Based on the score and internal cut-off values, a variant classified as likely benign is not then subjected to further curation. The score for this variant resulted in a classification of likely benign for this disease.